The following is an entry in ClinVar:

NM_018993.4(RIN2):c.750T>C (p.His250=)

Gene: RIN2 (Ras and Rab interactor 2; plus strand). Cytogenetic location: 20p11.23.
Variant type: single nucleotide variant.
Coding change: c.750T>C on transcript NM_018993.4 (MANE Select); coding-DNA position 750, T replaced by C.
Protein change: p.His250=; no amino-acid change (histidine 250 retained).
Molecular consequence: synonymous variant.
Genome position (GRCh38, 1-based): chr20:19,974,775, T>C. VCF-style: chr20-19974775-T-C. GRCh37 (hg19) VCF-style: chr20-19955419-T-C.
Other names: c.897T>C, p.His299= (NM_001242581.2); c.132T>C, p.His44= (NM_001378238.1).
Identifiers: ClinVar variation 3051550 (VCV003051550.2), dbSNP rs2515505684, ClinGen allele CA510156965.

ClinVar aggregate classification (germline): Likely benign (0 of 4 stars; one submission).

Conditions:
RIN2-related disorder. Also called: RIN2-related condition.

Submission:

PreventionGenetics, part of Exact Sciences
Classification: Likely benign for RIN2-related condition. Last evaluated: 2022-11-23. Review status: no assertion criteria provided. Collection method: clinical testing. Allele origin: germline.
Comment: This variant is classified as likely benign based on ACMG/AMP sequence variant interpretation guidelines (Richards et al. 2015 PMID: 25741868, with internal and published modifications).